The following is an entry in ClinVar:

NM_000252.3(MTM1):c.1261C>T (p.Arg421Ter)

Gene: MTM1 (myotubularin 1; plus strand). Cytogenetic location: Xq28.
Variant type: single nucleotide variant.
Coding change: c.1261C>T on transcript NM_000252.3 (MANE Select); coding-DNA position 1261, C replaced by T.
Protein change: p.Arg421Ter; replaces arginine 421 with a stop codon.
Molecular consequence: nonsense.
Genome position (GRCh38, 1-based): chrX:150,659,664, C>T. VCF-style: chrX-150659664-C-T. GRCh37 (hg19) VCF-style: chrX-149828137-C-T.
Other names: c.1261C>T, p.Arg421Ter (NM_001376906.1, NM_001376908.1); c.1150C>T, p.Arg384Ter (NM_001376907.1); short protein forms R421*, R384*.
Identifiers: ClinVar variation 158913 (VCV000158913.27), dbSNP rs587783771, ClinGen allele CA271766.

ClinVar aggregate classification (germline): Pathogenic. Review status: criteria provided, multiple submitters, no conflicts (2 of 4 stars). 8 submissions from 8 submitters: Pathogenic (7). 1 of the submissions does not count toward it. Last evaluated 2023-09-29.

Conditions:
Neurodevelopmental disorder. Identifiers: MedGen C1535926, MeSH D065886, MONDO:0700092.
Centronuclear myopathy (CNM). Also called: Myotubular myopathy; Centronuclear myopathy, congenital. Identifiers: Orphanet 595, MedGen C0175709, MONDO:0018947. Inheritance: All.
Severe X-linked myotubular myopathy (CNMX). Also called: MYOTUBULAR MYOPATHY 1; X-linked centronuclear myopathy; Myotubular myopathy, X-linked. Identifiers: Orphanet 596, MedGen C0410203, MONDO:0010683, OMIM 310400.

Allele frequency attached by ClinVar (database versions not stated): gnomAD exomes below 0.00001 and 0.00001.
gnomAD v4.1: 1 of 1,204,655 alleles (0.000083%); highest among the groups gnomAD compares: Non-Finnish European, 0.00011%; no homozygotes.

Submissions (8):

Labcorp Genetics (formerly Invitae), Labcorp
Classification: Pathogenic for Severe X-linked myotubular myopathy. Last evaluated: 2023-09-29. Review status: criteria provided, single submitter. Criteria: Invitae Variant Classification Sherloc (09022015). Collection method: clinical testing. Allele origin: germline.
Comment: For these reasons, this variant has been classified as Pathogenic. ClinVar contains an entry for this variant (Variation ID: 158913). This variant is also known as C1315T or 1315C>T. This premature translational stop signal has been observed in individual(s) with clinical features of MTM1-related conditions (PMID: 9285787, 9829274, 10063835, 11793470, 24381816). This variant is present in population databases (rs587783771, gnomAD 0.001%). This sequence change creates a premature translational stop signal (p.Arg421*) in the MTM1 gene. It is expected to result in an absent or disrupted protein product. Loss-of-function variants in MTM1 are known to be pathogenic (PMID: 9305655, 10063835).

Laboratory of Molecular Genetics (Pr. Bezieau's lab), CHU de Nantes
Classification: Pathogenic for Neurodevelopmental disorder. Last evaluated: 2022-10-24. Review status: criteria provided, single submitter. Criteria: ACMG Guidelines, 2015. Collection method: clinical testing. Allele origin: germline. Affected: yes.

Revvity Omics, Revvity
Classification: Pathogenic. Last evaluated: 2019-08-19. Review status: criteria provided, single submitter. Criteria: ACMG Guidelines, 2015. Collection method: clinical testing. Allele origin: germline.

Laboratory for Molecular Medicine, Mass General Brigham Personalized Medicine
Classification: Pathogenic for Centronuclear myopathy. Last evaluated: 2017-05-22. Review status: criteria provided, single submitter. Criteria: ACMG Guidelines, 2015. Collection method: clinical testing. Allele origin: germline.
Comment: The p.Arg421X variant in MTM1 has been reported in 6 males and 1 female with extremely skewed X-inactivation, all of whom had myotubular myopathy (De Gouyon 1997, Nishino 1998, Tanner 1999, Herman 2002 Jungbluth 2003, Tsai 2005). This variant has been identified in 1/79953 European chromosomes by the genome Aggregation Database (gnomAD; dbSNP rs587783771). This nonsense variant leads to a premature termination codon at position 421, which is predicted to lead to a truncated or absent protein. Loss of function of the MTM1 gene is an established disease mechanism in X-linked myotubular myopathy. In summary, the p.Arg421X variant meets criteria to be classified as pathogenic for myotubular myopathy in an X-linked manner based upon the predicted impact to the protein, de novo occurrence, and presence in affected individuals.

Eurofins Ntd Llc (ga)
Classification: Pathogenic. Last evaluated: 2017-05-16. Review status: criteria provided, single submitter. Criteria: EGL Classification Definitions 2015. Collection method: clinical testing. Allele origin: germline. Observed: 4 variant alleles, 1 heterozygote, 3 hemizygotes.

Genetic Services Laboratory, University of Chicago
Classification: Pathogenic for Myotubular myopathy, X-linked. Last evaluated: 2013-02-08. Review status: criteria provided, single submitter. Criteria: ACMG Guidelines, 2007. Collection method: clinical testing. Allele origin: germline. Inheritance: X-linked inheritance. Affected: yes.

Rady Children's Institute for Genomic Medicine, Rady Children's Hospital San Diego
Classification: Pathogenic for MYOPATHY, CENTRONUCLEAR, X-LINKED. Review status: criteria provided, single submitter. Criteria: ACMG Guidelines, 2015. Collection method: clinical testing. Allele origin: germline. Affected: yes.
Comment: This nonsense variant found in exon 12 of 15 is predicted to result in loss of normal protein function through either protein truncation or nonsense-mediated mRNA decay (NMD). This variant has been previously reported in patients with X-linked Myotubular Myopathies (PMID: 9285787, 34463354). Loss-of-function variation in MTM1 is an established mechanism of disease (PMID: 9305655, 10063835). The c.1261C>T (p.Arg421Ter) variant is present in the heterozygous state in the gnomAD population database at a frequency of 0.001% (1/183163) and thus is presumed to be rare. Based on the available evidence, the c.1261C>T (p.Arg421Ter) variant is classified as Pathogenic.

Clinical Molecular Genetics Laboratory, Johns Hopkins All Children's Hospital
Classification: Pathogenic for Severe X-linked myotubular myopathy. Last evaluated: 2007-07-02. Review status: no assertion criteria provided. Collection method: clinical testing. Allele origin: germline. Affected: yes. Not counted in ClinVar's aggregate classification.

Literature cited by the submitters: PubMed 9285787 (cited by 3 submitters); PubMed 9829274 (cited by 3 submitters); PubMed 10063835 (cited by 3 submitters); PubMed 11793470 (cited by 3 submitters); PubMed 24381816 (cited by Labcorp Genetics (formerly Invitae), Labcorp); PubMed 9305655 (cited by Labcorp Genetics (formerly Invitae), Labcorp); PubMed 12467733 (cited by Laboratory for Molecular Medicine, Mass General Brigham Personalized Medicine and Eurofins Ntd Llc (ga)); PubMed 15725586 (cited by Laboratory for Molecular Medicine, Mass General Brigham Personalized Medicine and Eurofins Ntd Llc (ga)).